The following is an entry in ClinVar:

ClinVar aggregate classification (germline): Uncertain significance (1 of 4 stars; one submission).

Conditions:
Facioscapulohumeral muscular dystrophy 2 (FSHD2). Also called: MUSCULAR DYSTROPHY, FACIOSCAPULOHUMERAL, TYPE 1B; FACIOSCAPULOHUMERAL MUSCULAR DYSTROPHY 2, DIGENIC; FSHD2, DIGENIC. Identifiers: Orphanet 269, MedGen C1834671, MONDO:0008031, OMIM 158901.

Submission:

Labcorp Genetics (formerly Invitae), Labcorp
Classification: Uncertain significance for Facioscapulohumeral muscular dystrophy 2. Last evaluated: 2025-10-28. Review status: criteria provided, single submitter. Criteria: Invitae Variant Classification Sherloc (09022015). Collection method: clinical testing. Allele origin: germline.
Comment: This sequence change replaces alanine, which is neutral and non-polar, with valine, which is neutral and non-polar, at codon 677 of the SMCHD1 protein (p.Ala677Val). This variant is not present in population databases (gnomAD no frequency). This variant has not been reported in the literature in individuals affected with SMCHD1-related conditions. Invitae Evidence Modeling of protein sequence and biophysical properties (such as structural, functional, and spatial information, amino acid conservation, physicochemical variation, residue mobility, and thermodynamic stability) indicates that this missense variant is not expected to disrupt SMCHD1 protein function with a negative predictive value of 80%. In summary, the available evidence is currently insufficient to determine the role of this variant in disease. Therefore, it has been classified as a Variant of Uncertain Significance.

NM_015295.3(SMCHD1):c.2030C>T (p.Ala677Val)

Gene: SMCHD1 (structural maintenance of chromosomes flexible hinge domain containing 1; plus strand). Cytogenetic location: 18p11.32.
Variant type: single nucleotide variant.
Coding change: c.2030C>T on transcript NM_015295.3 (MANE Select); coding-DNA position 2030, C replaced by T.
Protein change: p.Ala677Val; replaces alanine 677 with valine.
Molecular consequence: missense variant.
Genome position (GRCh38, 1-based): chr18:2,706,437, C>T. VCF-style: chr18-2706437-C-T. GRCh37 (hg19) VCF-style: chr18-2706435-C-T.
Other names: short protein forms A677V.
Identifiers: ClinVar variation 4740853 (VCV004740853.1).